The following is an entry in ClinVar:

NM_000540.3(RYR1):c.7092C>T (p.Phe2364=)

Gene: RYR1 (ryanodine receptor 1; plus strand). Cytogenetic location: 19q13.2.
Variant type: single nucleotide variant.
Coding change: c.7092C>T on transcript NM_000540.3 (MANE Select); coding-DNA position 7092, C replaced by T.
Protein change: p.Phe2364=; no amino-acid change (phenylalanine 2364 retained).
Molecular consequence: synonymous variant.
Genome position (GRCh38, 1-based): chr19:38,499,699, C>T. VCF-style: chr19-38499699-C-T. GRCh37 (hg19) VCF-style: chr19-38990339-C-T.
Other names: c.7092C>T, p.Phe2364= (NM_001042723.2).
Identifiers: ClinVar variation 478268 (VCV000478268.16), dbSNP rs369456396, ClinGen allele CA069122.

ClinVar aggregate classification (germline): Likely benign. Review status: criteria provided, multiple submitters, no conflicts (2 of 4 stars). 5 submissions from 5 submitters: Likely benign (5). Last evaluated 2025-03-20.

Conditions:
King Denborough syndrome (KDS). Identifiers: MedGen C1840365, MONDO:0020485, OMIM 619542.
Congenital myopathy with fiber type disproportion. Also called: Congenital fiber-type disproportion myopathy; Congenital fiber-type disproportion. Identifiers: Orphanet 2020, MedGen C0546264, MONDO:0009711. Inheritance: all.
Central core myopathy (CMYO1A). Also called: Central core disease; Myopathy, central fibrillar; CONGENITAL MYOPATHY 1A, AUTOSOMAL DOMINANT, WITH SUSCEPTIBILITY TO MALIGNANT HYPERTHERMIA. Identifiers: Orphanet 597, MedGen C5830701, MONDO:0007294, OMIM 117000.
Malignant hyperthermia, susceptibility to, 1 (MHS1). Also called: Anesthesia related hyperthermia; Malignant hyperpyrexia; Fulminating hyperpyrexia; Pharmacogenic myopathy; Malignant hyperthermia suceptibility 1; RYR1-Related Malignant Hyperthermia Susceptibility. Identifiers: Orphanet 423, MedGen C2930980, MONDO:0007783, OMIM 145600.
Congenital multicore myopathy with external ophthalmoplegia (CMYO1B). Also called: Minicore myopathy with external ophthalmoplegia; MULTICORE MYOPATHY; Congenital myopathy 1B, autosomal recessive; Minicore myopathy; MULTIMINICORE DISEASE WITH EXTERNAL OPHTHALMOPLEGIA. Identifiers: Orphanet 598, Orphanet 98905, MedGen C1850674, MONDO:0009712, OMIM 255320, HP:0003789.
RYR1-related disorder. Also called: RYR1-related condition; RYR1-related disorders. Identifiers: MedGen CN239331.

Allele frequency attached by ClinVar (database versions not stated): gnomAD exomes 0.00002; ExAC 0.00003; gnomAD 0.00005 and 0.00006; ESP Exome Variant Server 0.00008; TOPMed 0.00008; 1000 Genomes Project 30x 0.00016; 1000 Genomes Project 0.00020.
gnomAD v4.1: 32 of 1,600,884 alleles (0.002%); highest among the groups gnomAD compares: African/African-American, 0.019%; no homozygotes.

Submissions (5):

Labcorp Genetics (formerly Invitae), Labcorp
Classification: Likely benign for RYR1-related disorder. Last evaluated: 2025-03-20. Review status: criteria provided, single submitter. Criteria: Invitae Variant Classification Sherloc (09022015). Collection method: clinical testing. Allele origin: germline.

All of Us Research Program, National Institutes of Health
Classification: Likely benign for Malignant hyperthermia, susceptibility to, 1. Last evaluated: 2024-01-11. Review status: criteria provided, single submitter. Criteria: ACMG Guidelines, 2015. Collection method: clinical testing. Allele origin: germline. Inheritance: Autosomal dominant inheritance. Observed: 7 variant alleles, 7 heterozygotes.
Comment: This study involves interpretation of variants in research participants for the purpose of population health screening. Participant phenotype was not available at the time of variant classification. Additional details can be found in publication PMID: 35346344, PMCID: PMC8962531

Color Diagnostics, LLC DBA Color Health
Classification: Likely benign for Malignant hyperthermia, susceptibility to, 1. Last evaluated: 2022-11-06. Review status: criteria provided, single submitter. Criteria: ACMG Guidelines, 2015. Collection method: clinical testing. Allele origin: germline.

Fulgent Genetics
Classification: Likely benign for Central core myopathy; Malignant hyperthermia, susceptibility to, 1; Congenital myopathy 4A, autosomal dominant; Congenital multicore myopathy with external ophthalmoplegia; King Denborough syndrome. Last evaluated: 2021-10-06. Review status: criteria provided, single submitter. Criteria: ACMG Guidelines, 2015. Collection method: clinical testing. Allele origin: unknown.

PreventionGenetics, part of Exact Sciences
Classification: Likely benign. Last evaluated: 2018-03-23. Review status: criteria provided, single submitter. Criteria: ACMG Guidelines, 2015. Collection method: clinical testing. Allele origin: germline.